The following is an entry in ClinVar:

NM_006206.6(PDGFRA):c.1415TCA[1] (p.Ile473del)

Gene: PDGFRA (platelet derived growth factor receptor alpha; plus strand). Cytogenetic location: 4q12.
Variant type: Microsatellite.
Coding change: c.1415TCA[1] on transcript NM_006206.6 (MANE Select); one copy of the 3-base unit TCA starting at c.1415; the reference has two copies in a row; one copy, 3 bases deleted.
Protein change: p.Ile473del; deletes isoleucine 473.
Molecular consequence: inframe deletion.
Genome position (GRCh38, 1-based): chr4:54,273,590-54,273,592, TCA deleted; deleting any 3 consecutive bases within chr4:54,273,585-54,273,592 gives the same sequence; the position shown is the placement nearest the transcript's 3' end. VCF-style (leftmost placement, unchanged base first): chr4-54273584-ACAT-A. GRCh37 (hg19) VCF-style: chr4-55139751-ACAT-A.
Other names: c.1415TCA[1], p.Ile473del (NM_001347827.2, NM_001347829.2); c.1490TCA[1], p.Ile498del (NM_001347828.2); c.1454TCA[1], p.Ile486del (NM_001347830.2); short protein forms I498del, I473del, I486del.
Identifiers: ClinVar variation 1393715 (VCV001393715.6), dbSNP rs2110291741, ClinGen allele CA2580616101.
Genomic context (GRCh38, chr4:54,273,584, plus strand): 5'-TTTTTCTCTCTAGATGTAATAATGAAACTTCCTGGACTATTTTGGCCAACAATGTCTCAA[ACAT>A]CATCACGGAGATCCACTCCCGAGACAGGAGTACCGTGGAGGGCCGTGTGACTTTCGCCAA-3'

ClinVar aggregate classification (germline): Uncertain significance (1 of 4 stars; one submission).

Conditions:
Gastrointestinal stromal tumor. Also called: Gastrointestinal stroma tumor; Gastrointestinal stromal tumor, somatic. Identifiers: Orphanet 44890, MedGen C0238198, MeSH D046152, MONDO:0011719, OMIM 606764, HP:0100723.

Submission:

Labcorp Genetics (formerly Invitae), Labcorp
Classification: Uncertain significance for Gastrointestinal stromal tumor. Last evaluated: 2021-11-17. Review status: criteria provided, single submitter. Criteria: Invitae Variant Classification Sherloc (09022015). Collection method: clinical testing. Allele origin: germline.
Comment: In summary, the available evidence is currently insufficient to determine the role of this variant in disease. Therefore, it has been classified as a Variant of Uncertain Significance. Experimental studies and prediction algorithms are not available or were not evaluated, and the functional significance of this variant is currently unknown. This variant has not been reported in the literature in individuals affected with PDGFRA-related conditions. This variant is not present in population databases (gnomAD no frequency). This variant, c.1418_1420del, results in the deletion of 1 amino acid(s) of the PDGFRA protein (p.Ile473del), but otherwise preserves the integrity of the reading frame.